The following is an entry in ClinVar:

NM_024312.5(GNPTAB):c.2455G>T (p.Glu819Ter)

Gene: GNPTAB (N-acetylglucosamine-1-phosphate transferase subunits alpha and beta; minus strand). Cytogenetic location: 12q23.2.
Variant type: single nucleotide variant.
Coding change: c.2455G>T on transcript NM_024312.5 (MANE Select); coding-DNA position 2455, G replaced by T.
Protein change: p.Glu819Ter; replaces glutamic acid 819 with a stop codon.
Molecular consequence: nonsense.
Genome position (GRCh38, 1-based): chr12:101,764,462, C>A on the plus strand (G>T on the coding strand, the complement: GNPTAB is on the minus strand). VCF-style: chr12-101764462-C-A. GRCh37 (hg19) VCF-style: chr12-102158240-C-A.
Other names: short protein forms E819*.
Identifiers: ClinVar variation 2582838 (VCV002582838.2), dbSNP rs2547956822, ClinGen allele CA386298205.

ClinVar aggregate classification (germline): Pathogenic. Review status: criteria provided, single submitter (1 of 4 stars). 2 submissions from 2 submitters: Pathogenic (1). 1 of the submissions does not count toward it. Last evaluated 2024-12-13.

Conditions:
GNPTAB-mucolipidosis. Also called: UDP-N-acetylglucosamine-1-phosphotransferase subunit alpha/beta deficiency. Identifiers: MedGen CN322573, MONDO:0100122.
Mucolipidosis. Also called: Mucolipidoses. Identifiers: Orphanet 79212, MedGen C0026697, MONDO:0019248.

Submissions (2):

Myriad Genetics, Inc.
Classification: Pathogenic for GNPTAB-mucolipidosis. Last evaluated: 2024-12-13. Review status: criteria provided, single submitter. Criteria: Myriad Autosomal Dominant, Autosomal Recessive and X-Linked Classification Criteria (2023). Collection method: clinical testing. Allele origin: unknown.
Comment: NM_024312.4(GNPTAB):c.2455G>T(E819*) is expected to be pathogenic in the context of GNPTAB-related disorders. This variant is predicted to lead to an abnormal or absent protein product due to the creation of a premature termination codon in GNPTAB, a gene where loss-of-function variants are known to be pathogenic. Please note: this variant was assessed in the context of healthy population screening.

Department of Genetics and Endocrinology, Guangzhou Women and Children’s Medical Center
Classification: Pathogenic for Mucolipidosis. Review status: no assertion criteria provided. Collection method: clinical testing. Allele origin: inherited. Affected: yes. Not counted in ClinVar's aggregate classification.